The following is an entry in ClinVar:

NM_001184880.2(PCDH19):c.2858A>T (p.Glu953Val)

Gene: PCDH19 (protocadherin 19; minus strand). Cytogenetic location: Xq22.1.
Variant type: single nucleotide variant.
Coding change: c.2858A>T on transcript NM_001184880.2 (MANE Select); coding-DNA position 2858, A replaced by T.
Protein change: p.Glu953Val; replaces glutamic acid 953 with valine.
Molecular consequence: missense variant.
Genome position (GRCh38, 1-based): chrX:100,296,866, T>A on the plus strand (A>T on the coding strand, the complement: PCDH19 is on the minus strand). VCF-style: chrX-100296866-T-A. GRCh37 (hg19) VCF-style: chrX-99551864-T-A.
Other names: c.2717A>T, p.Glu906Val (NM_001105243.2); c.2714A>T, p.Glu905Val (NM_020766.3); short protein forms E905V, E906V, E953V.
Identifiers: ClinVar variation 4801124 (VCV004801124.1).

ClinVar aggregate classification (germline): Uncertain significance (1 of 4 stars; one submission).

Conditions:
Developmental and epileptic encephalopathy, 9 (DEE9). Also called: Early infantile epileptic encephalopathy 9; EPILEPSY, FEMALE-RESTRICTED, WITH MENTAL RETARDATION; JUBERG-HELLMAN SYNDROME; PCDH19-Related X-Linked Female-Limited Epilepsy with Mental Retardation. Identifiers: Orphanet 101039, Orphanet 2076, MedGen C1848137, MONDO:0010246, OMIM 300088. Disease mechanism: loss of function.

Submission:

Labcorp Genetics (formerly Invitae), Labcorp
Classification: Uncertain significance for Developmental and epileptic encephalopathy, 9. Last evaluated: 2025-11-24. Review status: criteria provided, single submitter. Criteria: Invitae Variant Classification Sherloc (09022015). Collection method: clinical testing. Allele origin: germline.
Comment: This sequence change replaces glutamic acid, which is acidic and polar, with valine, which is neutral and non-polar, at codon 953 of the PCDH19 protein (p.Glu953Val). This variant is not present in population databases (gnomAD no frequency). This variant has not been reported in the literature in individuals affected with PCDH19-related conditions. Invitae Evidence Modeling of protein sequence and biophysical properties (such as structural, functional, and spatial information, amino acid conservation, physicochemical variation, residue mobility, and thermodynamic stability) indicates that this missense variant is not expected to disrupt PCDH19 protein function with a negative predictive value of 95%. In summary, the available evidence is currently insufficient to determine the role of this variant in disease. Therefore, it has been classified as a Variant of Uncertain Significance.